The following is an entry in ClinVar:

NM_001009944.3(PKD1):c.11354G>A (p.Trp3785Ter)

Genes: PKD1 (polycystin 1, transient receptor potential channel interacting; minus strand), PKD1-AS1 (PKD1 antisense RNA 1; plus strand). Cytogenetic location: 16p13.3.
Variant type: single nucleotide variant.
Coding change: c.11354G>A on transcript NM_001009944.3 (MANE Select); coding-DNA position 11354, G replaced by A.
Protein change: p.Trp3785Ter; replaces tryptophan 3785 with a stop codon.
Molecular consequence: nonsense.
Genome position (GRCh38, 1-based): chr16:2,092,104, C>T on the plus strand (G>A on the coding strand, the complement: PKD1 is on the minus strand). VCF-style: chr16-2092104-C-T. GRCh37 (hg19) VCF-style: chr16-2142105-C-T.
Other names: c.11351G>A, p.Trp3784Ter (NM_000296.4); short protein forms W3785*, W3784*.
Identifiers: ClinVar variation 3335857 (VCV003335857.5).

ClinVar aggregate classification (germline): Pathogenic. Review status: criteria provided, multiple submitters, no conflicts (2 of 4 stars). 4 submissions from 4 submitters: Pathogenic (4). Last evaluated 2025-03-14.

Conditions:
PKD1-related disorder. Also called: PKD1-related condition.
Polycystic kidney disease, adult type (PKD1). Also called: Polycystic Kidney Disease 1, Autosomal Dominant; Polycystic kidney disease 1; Polycystic kidney disease 1, severe; POLYCYSTIC KIDNEY DISEASE 1 WITH OR WITHOUT POLYCYSTIC LIVER DISEASE; POLYCYSTIC KIDNEY DISEASE, ADULT, TYPE I; Polycystic Kidney, Autosomal Dominant. Identifiers: MedGen C3149841, MONDO:0008263, OMIM 173900.

Submissions (4):

PreventionGenetics, part of Exact Sciences
Classification: Pathogenic for PKD1-related condition. Last evaluated: 2025-03-14. Review status: criteria provided, single submitter. Criteria: ACMG Guidelines, 2015. Collection method: clinical testing. Allele origin: germline.
Comment: The PKD1 c.11354G>A variant is predicted to result in premature protein termination (p.Trp3785*). This variant was reported in an individual with autosomal dominant polycystic kidney disease (ADPKD) (Yu et al. 2011. PubMed ID: 22185115). This variant has not been reported in a large population database (gnomAD), indicating this variant is rare. Nonsense variants in PKD1 are expected to be pathogenic. This variant is interpreted as pathogenic.

GeneDx
Classification: Pathogenic. Last evaluated: 2024-05-30. Review status: criteria provided, single submitter. Criteria: GeneDx Variant Classification Process June 2021. Collection method: clinical testing. Allele origin: germline. Affected: yes.
Comment: Nonsense variant predicted to result in protein truncation or nonsense mediated decay in a gene for which loss of function is a known mechanism of disease; Not observed at significant frequency in large population cohorts (gnomAD); This variant is associated with the following publications: (PMID: 12842373, 31160911, 22185115)

Blueprint Genetics
Classification: Pathogenic for PKD1-related disorders. Last evaluated: 2020-10-27. Review status: criteria provided, single submitter. Criteria: ACMG Guidelines, 2015. Collection method: clinical testing. Allele origin: germline. Affected: yes. Observed: 2 variant alleles.

Juno Genomics, Hangzhou Juno Genomics, Inc
Classification: Pathogenic for Polycystic kidney disease, adult type. Review status: criteria provided, single submitter. Criteria: ACMG Guidelines, 2015. Collection method: clinical testing. Allele origin: germline. Affected: yes.
Comment: Null variant in a gene where loss of function (LOF) is a known mechanism of disease.;Absent from controls (or at extremely low frequency if recessive) in Genome Aggregation Database, Exome Sequencing Project, 1000 Genomes Project, or Exome Aggregation Consortium.;The prevalence of the variant in affected individuals is significantly increased compared to the prevalence in controls.;Patient's phenotype or family history is highly specific for a disease with a single genetic etiology.